The following is an entry in ClinVar:

NM_001277115.2(DNAH11):c.5754C>G (p.Asn1918Lys)

Gene: DNAH11 (dynein axonemal heavy chain 11; plus strand). Cytogenetic location: 7p15.3.
Variant type: single nucleotide variant.
Coding change: c.5754C>G on transcript NM_001277115.2 (MANE Select); coding-DNA position 5754, C replaced by G.
Protein change: p.Asn1918Lys; replaces asparagine 1918 with lysine.
Molecular consequence: missense variant.
Genome position (GRCh38, 1-based): chr7:21,687,231, C>G. VCF-style: chr7-21687231-C-G. GRCh37 (hg19) VCF-style: chr7-21726849-C-G.
Other names: c.5775C>G, p.Asn1925Lys (NM_003777.3); short protein forms N1925K, N1918K.
Identifiers: ClinVar variation 2912490 (VCV002912490.3), dbSNP rs2534916579, ClinGen allele CA366949473.

ClinVar aggregate classification (germline): Uncertain significance (1 of 4 stars; one submission).

Conditions:
Primary ciliary dyskinesia. Also called: Ciliary dyskinesia. Identifiers: Orphanet 244, MedGen C0008780, MONDO:0016575, HP:0012265.

Submission:

Labcorp Genetics (formerly Invitae), Labcorp
Classification: Uncertain significance for Primary ciliary dyskinesia. Last evaluated: 2025-06-09. Review status: criteria provided, single submitter. Criteria: Invitae Variant Classification Sherloc (09022015). Collection method: clinical testing. Allele origin: germline.
Comment: This sequence change replaces asparagine, which is neutral and polar, with lysine, which is basic and polar, at codon 1918 of the DNAH11 protein (p.Asn1918Lys). This variant is not present in population databases (gnomAD no frequency). This variant has not been reported in the literature in individuals affected with DNAH11-related conditions. ClinVar contains an entry for this variant (Variation ID: 2912490). Invitae Evidence Modeling of protein sequence and biophysical properties (such as structural, functional, and spatial information, amino acid conservation, physicochemical variation, residue mobility, and thermodynamic stability) indicates that this missense variant is not expected to disrupt DNAH11 protein function with a negative predictive value of 80%. In summary, the available evidence is currently insufficient to determine the role of this variant in disease. Therefore, it has been classified as a Variant of Uncertain Significance.